The following is an entry in ClinVar:

ClinVar aggregate classification (germline): Uncertain significance (1 of 4 stars; one submission).

Conditions:
Amyotrophic lateral sclerosis type 21. Also called: VOCAL CORD AND PHARYNGEAL DYSFUNCTION WITH DISTAL MYOPATHY; MYOPATHY, DISTAL, 2. Identifiers: Orphanet 600, Orphanet 803, MedGen C3807521, MONDO:0011632, OMIM 606070.

Allele frequency attached by ClinVar (database versions not stated): gnomAD 0.00001.
gnomAD v4.1: 3 of 1,614,096 alleles (0.00019%); highest among the groups gnomAD compares: Non-Finnish European, 0.00025%; no homozygotes.

Submission:

Labcorp Genetics (formerly Invitae), Labcorp
Classification: Uncertain significance for Amyotrophic lateral sclerosis type 21. Last evaluated: 2023-02-01. Review status: criteria provided, single submitter. Criteria: Invitae Variant Classification Sherloc (09022015). Collection method: clinical testing. Allele origin: germline.
Comment: In summary, the available evidence is currently insufficient to determine the role of this variant in disease. Therefore, it has been classified as a Variant of Uncertain Significance. Advanced modeling of protein sequence and biophysical properties (such as structural, functional, and spatial information, amino acid conservation, physicochemical variation, residue mobility, and thermodynamic stability) performed at Invitae indicates that this missense variant is not expected to disrupt MATR3 protein function. This variant has not been reported in the literature in individuals affected with MATR3-related conditions. This variant is not present in population databases (gnomAD no frequency). This sequence change replaces asparagine, which is neutral and polar, with serine, which is neutral and polar, at codon 740 of the MATR3 protein (p.Asn740Ser).

NM_018834.6(MATR3):c.2219A>G (p.Asn740Ser)

Gene: MATR3 (matrin 3; plus strand). Cytogenetic location: 5q31.2.
Variant type: single nucleotide variant.
Coding change: c.2219A>G on transcript NM_018834.6 (MANE Select); coding-DNA position 2219, A replaced by G.
Protein change: p.Asn740Ser; replaces asparagine 740 with serine.
Molecular consequence: missense variant.
Genome position (GRCh38, 1-based): chr5:139,325,510, A>G. VCF-style: chr5-139325510-A-G. GRCh37 (hg19) VCF-style: chr5-138661199-A-G.
Other names: c.2219A>G, p.Asn740Ser (NM_001194954.2, NM_001194955.2, NM_001400447.1 and 11 more transcripts); c.1355A>G, p.Asn452Ser (NM_001194956.2); c.1205A>G, p.Asn402Ser (NM_001282278.2, NM_001400462.1, NM_001400463.1 and 4 more transcripts); c.2363A>G, p.Asn788Ser (NM_001400441.1, NM_001400442.1, NM_001400443.1 and 2 more transcripts); c.1358A>G, p.Asn453Ser (NM_001400459.1); c.1349A>G, p.Asn450Ser (NM_001400460.1); c.1319A>G, p.Asn440Ser (NM_001400461.1); short protein forms N450S, N452S, N453S, N440S, N740S, N402S, N788S.
Identifiers: ClinVar variation 2833500 (VCV002833500.3), dbSNP rs201019485, ClinGen allele CA128240952.